The following is an entry in ClinVar:

NM_000497.4(CYP11B1):c.1128C>A (p.Tyr376Ter)

Genes: CYP11B1 (cytochrome P450 family 11 subfamily B member 1; minus strand), LOC106799833 (CYP11B1 recombination region; plus strand). Cytogenetic location: 8q24.3.
Variant type: single nucleotide variant.
Coding change: c.1128C>A on transcript NM_000497.4 (MANE Select); coding-DNA position 1128, C replaced by A.
Protein change: p.Tyr376Ter; replaces tyrosine 376 with a stop codon.
Molecular consequence: nonsense.
Genome position (GRCh38, 1-based): chr8:142,875,306, G>T on the plus strand (C>A on the coding strand, the complement: CYP11B1 is on the minus strand). VCF-style: chr8-142875306-G-T. GRCh37 (hg19) VCF-style: chr8-143956722-G-T.
Other names: c.1128C>A, p.Tyr376Ter (NM_001026213.1); short protein forms Y376*.
Identifiers: ClinVar variation 555319 (VCV000555319.10), dbSNP rs760880418, ClinGen allele CA4905098.
Genomic context (GRCh38, chr8:142,875,306, plus strand): 5'-GTGGTAGTTCTGAAGCACCAAGTCTGAGCTCGCCACTCGCTCCAGAAACAGACCCACAGG[G>T]TAGAGCCTGGAGGTGGGGGCATCCATAGAAAGGGTCCTCAGCTGGATGGGGCTTCCTGTG-3'

ClinVar aggregate classification (germline): Pathogenic/Likely pathogenic. Review status: criteria provided, multiple submitters, no conflicts (2 of 4 stars). 6 submissions from 6 submitters: Pathogenic (1); Likely pathogenic (3). 2 of the submissions do not count toward it. Last evaluated 2024-03-04.

Conditions:
Deficiency of steroid 11-beta-monooxygenase (CYP11B1). Also called: ADRENAL HYPERPLASIA, CONGENITAL, DUE TO STEROID 11-BETA-HYDROXYLASE DEFICIENCY; P450C11B1 DEFICIENCY; ADRENAL HYPERPLASIA IV; 11-BETA-HYDROXYLASE DEFICIENCY; STEROID 11-BETA-HYDROXYLASE DEFICIENCY; Congenital adrenal hyperplasia due to 11-beta-hydroxylase deficiency. Identifiers: Orphanet 90795, MedGen C0268292, MONDO:0008729, OMIM 202010. Disease mechanism: loss of function.
Glucocorticoid-remediable aldosteronism. Also called: ACTH-DEPENDENT HYPERALDOSTERONISM SYNDROME; ALDOSTERONISM, SENSITIVE TO DEXAMETHASONE; Hyperaldosteronism, familial, type I; FH I; GLUCOCORTICOID-SUPPRESSIBLE HYPERALDOSTERONISM. Identifiers: Orphanet 403, MedGen C3838731, MONDO:0007080, OMIM 103900.
CYP11B1-related disorder. Also called: CYP11B1-related condition.

Allele frequency attached by ClinVar (database versions not stated): ExAC 0.00001; gnomAD 0.00001; TOPMed 0.00002.
gnomAD v4.1: 1 of 1,612,802 alleles (0.000062%); highest among the groups gnomAD compares: African/African-American, 0.0013%; no homozygotes.

Submissions (6):

Fulgent Genetics
Classification: Likely pathogenic for Glucocorticoid-remediable aldosteronism; Deficiency of steroid 11-beta-monooxygenase. Last evaluated: 2024-03-04. Review status: criteria provided, single submitter. Criteria: ACMG Guidelines, 2015. Collection method: clinical testing. Allele origin: germline.

Baylor Genetics
Classification: Likely pathogenic for Deficiency of steroid 11-beta-monooxygenase. Last evaluated: 2023-08-09. Review status: criteria provided, single submitter. Criteria: ACMG Guidelines, 2015. Collection method: clinical testing. Allele origin: unknown.

Labcorp Genetics (formerly Invitae), Labcorp
Classification: Pathogenic. Last evaluated: 2022-08-22. Review status: criteria provided, single submitter. Criteria: Invitae Variant Classification Sherloc (09022015). Collection method: clinical testing. Allele origin: germline.
Comment: For these reasons, this variant has been classified as Pathogenic. Algorithms developed to predict the effect of sequence changes on RNA splicing suggest that this variant may disrupt the consensus splice site. ClinVar contains an entry for this variant (Variation ID: 555319). This variant has not been reported in the literature in individuals affected with CYP11B1-related conditions. This variant is present in population databases (rs760880418, gnomAD 0.007%). This sequence change creates a premature translational stop signal (p.Tyr376*) in the CYP11B1 gene. It is expected to result in an absent or disrupted protein product. Loss-of-function variants in CYP11B1 are known to be pathogenic (PMID: 8506298, 26476331).

Blueprint Genetics
Classification: Likely pathogenic for CYP11B1-related disorders. Last evaluated: 2020-04-24. Review status: criteria provided, single submitter. Criteria: ACMG Guidelines, 2015. Collection method: clinical testing. Allele origin: germline. Affected: yes. Observed: 1 variant allele.

PreventionGenetics, part of Exact Sciences
Classification: Likely pathogenic for CYP11B1-related condition. Last evaluated: 2024-09-23. Review status: no assertion criteria provided. Collection method: clinical testing. Allele origin: germline. Not counted in ClinVar's aggregate classification.
Comment: The CYP11B1 c.1128C>A variant is predicted to result in premature protein termination (p.Tyr376*). To our knowledge, this variant has not been reported in the literature. This variant is reported in 0.0062% of alleles in individuals of African descent in gnomAD. Nonsense variants in CYP11B1 are expected to be pathogenic. This variant is interpreted as likely pathogenic.

Counsyl
Classification: Likely pathogenic for Deficiency of steroid 11-beta-monooxygenase. Last evaluated: 2017-11-28. Review status: no assertion criteria provided. Collection method: clinical testing. Allele origin: unknown. Not counted in ClinVar's aggregate classification.

Literature cited by the submitters: PubMed 8506298 (cited by Labcorp Genetics (formerly Invitae), Labcorp); PubMed 26476331 (cited by Labcorp Genetics (formerly Invitae), Labcorp).